The following is an entry in ClinVar:

NM_003742.4(ABCB11):c.3213+1_3213+2delinsA

Gene: ABCB11 (ATP binding cassette subfamily B member 11; minus strand). Cytogenetic location: 2q31.1.
Variant type: Indel.
Coding change: c.3213+1_3213+2delinsA on transcript NM_003742.4 (MANE Select); the canonical splice donor site of the intron after coding-DNA position 3213, GT replaced by A.
Molecular consequence: splice donor variant.
Genome position (GRCh38, 1-based): chr2:168,932,375-168,932,376, AC replaced by T on the plus strand (GT replaced by A on the coding strand, the reverse complement: ABCB11 is on the minus strand). VCF-style: chr2-168932375-AC-T. GRCh37 (hg19) VCF-style: chr2-169788885-AC-T.
Identifiers: ClinVar variation 4846709 (VCV004846709.1).

ClinVar aggregate classification (germline): Pathogenic (1 of 4 stars; one submission).

Conditions:
Familial intrahepatic cholestasis. Identifiers: Orphanet 284385, MedGen CN296401, MONDO:0017290.

Submission:

Genomenon, Inc
Classification: Pathogenic for Familial intrahepatic cholestasis. Last evaluated: 2026-04-14. Review status: criteria provided, single submitter. Criteria: Genomenon Sequence Variant Interpretation Standards - Updated. Collection method: curation. Allele origin: germline. Affected: yes.
Comment: ABCB11 c.3213+1_3213+2delinsA is a deletion-insertion variant that affects the donor splice site of intron 24. It is predicted to affect mRNA splicing, leading to a deleterious effect on the ABCB11 protein. This variant has been observed in at least one proband with an ABCB11-related disorder (PMID:25847299). It is absent or not present at a significant frequency in gnomAD. In conclusion, we classify ABCB11 c.3213+1_3213+2delinsA as a pathogenic variant.

Literature cited by the submitters: PubMed 25847299.